The following is an entry in ClinVar:

ClinVar aggregate classification (germline): Uncertain significance (0 of 4 stars; one submission).

Conditions:
PLXNA1-related disorder. Also called: PLXNA1-related condition.

Allele frequency attached by ClinVar (database versions not stated): gnomAD 0.00002; TOPMed 0.00002; gnomAD exomes 0.00003.
gnomAD v4.1: 49 of 1,613,008 alleles (0.003%); highest among the groups gnomAD compares: Non-Finnish European, 0.004%; no homozygotes.

Submission:

PreventionGenetics, part of Exact Sciences
Classification: Uncertain significance for PLXNA1-related condition. Last evaluated: 2024-02-01. Review status: no assertion criteria provided. Collection method: clinical testing. Allele origin: germline.
Comment: The PLXNA1 c.3741G>A variant is not predicted to result in an amino acid change (p.=). This variant is predicted to create a novel splice acceptor site based on available splicing prediction programs (SpliceAI, Jaganathan et al. 2019. PubMed ID: 30661751). To our knowledge, this variant has not been reported in the literature or in a large population database, indicating this variant is rare. At this time, the clinical significance of this variant is uncertain due to the absence of conclusive functional and genetic evidence.

NM_032242.4(PLXNA1):c.3741G>A (p.Val1247=)

Gene: PLXNA1 (plexin A1; plus strand). Cytogenetic location: 3q21.3.
Variant type: single nucleotide variant.
Coding change: c.3741G>A on transcript NM_032242.4 (MANE Select); coding-DNA position 3741, G replaced by A.
Protein change: p.Val1247=; no amino-acid change (valine 1247 retained).
Molecular consequence: synonymous variant.
Genome position (GRCh38, 1-based): chr3:127,018,374, G>A. VCF-style: chr3-127018374-G-A. GRCh37 (hg19) VCF-style: chr3-126737217-G-A.
Identifiers: ClinVar variation 3029731 (VCV003029731.2), dbSNP rs779416566, ClinGen allele CA83322849.